The following is an entry in ClinVar:

NM_001110556.2(FLNA):c.915T>C (p.Thr305=)

Gene: FLNA (filamin A; minus strand). Cytogenetic location: Xq28.
Variant type: single nucleotide variant.
Coding change: c.915T>C on transcript NM_001110556.2 (MANE Select); coding-DNA position 915, T replaced by C.
Protein change: p.Thr305=; no amino-acid change (threonine 305 retained).
Molecular consequence: synonymous variant.
Genome position (GRCh38, 1-based): chrX:154,366,804, A>G on the plus strand (T>C on the coding strand, the complement: FLNA is on the minus strand). VCF-style: chrX-154366804-A-G. GRCh37 (hg19) VCF-style: chrX-153595172-A-G.
Other names: c.915T>C, p.Thr305= (NM_001456.4); c.915T>C (NM_001456.3).
Identifiers: ClinVar variation 1653705 (VCV001653705.33), dbSNP rs782439408, ClinGen allele CA10561328.
Genomic context (GRCh38, chrX:154,366,804, plus strand): 5'-TCCGGCCGGGTCCTCCACGTACACCAGCACCTCTCCCTGGCCAGCACTTCTGGTCTCCAC[A>G]GTGAACTCTGCCCGCTTCTTCACCATGTTGCCTGTGGGCTCGATGCCTGGCAGGGGAAGG-3'
Protein context (NP_001104026.1, residues 295-315): GNMVKKRAEF[Thr305=]VETRSAGQGE

ClinVar aggregate classification (germline): Likely benign. Review status: criteria provided, multiple submitters, no conflicts (2 of 4 stars). 4 submissions from 4 submitters: Likely benign (4). Last evaluated 2025-11-03.

Conditions:
Familial thoracic aortic aneurysm and aortic dissection (TAAD). Also called: Thoracic aortic aneurysms and dissections. Identifiers: Orphanet 91387, MedGen C4707243, MONDO:0019625.
Melnick-Needles syndrome (MNS). Also called: MELNICK-NEEDLES OSTEODYSPLASTY; OSTEODYSPLASTY OF MELNICK AND NEEDLES; Melnick-Needles Syndrome (FLNA-MNS). Identifiers: Orphanet 2484, MedGen C0025237, MONDO:0010650, OMIM 309350.
Frontometaphyseal dysplasia (FMD1). Identifiers: Orphanet 1826, MedGen C0265293, MONDO:0015942.
Heterotopia, periventricular, X-linked dominant (PVNH1). Also called: PERIVENTRICULAR NODULAR HETEROTOPIA 1; PERIVENTRICULAR NODULAR HETEROTOPIA 4; HETEROTOPIA, PERIVENTRICULAR, 1; X-linked periventricular heterotopia. Identifiers: Orphanet 2149, Orphanet 82004, MedGen C1848213, MONDO:0010233, OMIM 300049.
Oto-palato-digital syndrome, type II (OPD2). Also called: Otopalatodigital Syndrome, Type II; FACIOPALATOOSSEOUS SYNDROME; OPD II SYNDROME; Otopalatodigital Syndrome Type 2 (FLNA-OPD2). Identifiers: Orphanet 669, Orphanet 90652, MedGen C1844696, MONDO:0010571, OMIM 304120.

Allele frequency attached by ClinVar (database versions not stated): ExAC 0.00001; gnomAD exomes 0.00001 and 0.00002.
gnomAD v4.1: 10 of 1,211,666 alleles (0.00083%); highest among the groups gnomAD compares: Middle Eastern, 0.21%; no homozygotes.

Submissions (4):

Labcorp Genetics (formerly Invitae), Labcorp
Classification: Likely benign for Oto-palato-digital syndrome, type II; Heterotopia, periventricular, X-linked dominant; Frontometaphyseal dysplasia; Melnick-Needles syndrome. Last evaluated: 2025-11-03. Review status: criteria provided, single submitter. Criteria: Invitae Variant Classification Sherloc (09022015). Collection method: clinical testing. Allele origin: germline.

Ambry Genetics
Classification: Likely benign for Familial thoracic aortic aneurysm and aortic dissection. Last evaluated: 2025-02-15. Review status: criteria provided, single submitter. Criteria: Ambry Variant Classification Scheme 2023. Collection method: clinical testing. Allele origin: germline.

Blueprint Genetics
Classification: Likely benign. Last evaluated: 2023-04-18. Review status: criteria provided, single submitter. Criteria: ACMG Guidelines, 2015. Collection method: clinical testing. Allele origin: germline.

CeGaT Center for Human Genetics Tuebingen
Classification: Likely benign. Last evaluated: 2022-12-01. Review status: criteria provided, single submitter. Criteria: CeGaT Center For Human Genetics Tuebingen Variant Classification Criteria Version 2. Collection method: clinical testing. Allele origin: germline. Affected: yes. Observed: 1 variant allele.
Comment: FLNA: BP4, BP7, BS2